The following is an entry in ClinVar:

NM_015450.3(POT1):c.977T>C (p.Val326Ala)

Gene: POT1 (protection of telomeres 1; minus strand). Cytogenetic location: 7q31.33.
Variant type: single nucleotide variant.
Coding change: c.977T>C on transcript NM_015450.3 (MANE Select); coding-DNA position 977, T replaced by C.
Protein change: p.Val326Ala; replaces valine 326 with alanine.
Molecular consequence: missense variant. On other transcripts: non-coding transcript variant (3).
Genome position (GRCh38, 1-based): chr7:124,846,971, A>G on the plus strand (T>C on the coding strand, the complement: POT1 is on the minus strand). VCF-style: chr7-124846971-A-G. GRCh37 (hg19) VCF-style: chr7-124487025-A-G.
Other names: c.584T>C, p.Val195Ala (NM_001042594.2); short protein forms V326A, V195A.
Identifiers: ClinVar variation 475115 (VCV000475115.26), dbSNP rs75932146, ClinGen allele CA4465271.

ClinVar aggregate classification (germline): Conflicting classifications of pathogenicity. Review status: criteria provided, conflicting classifications (1 of 4 stars). 7 submissions from 7 submitters: Uncertain significance (6); Likely benign (1). Last evaluated 2026-05-04.

Conditions:
Tumor predisposition syndrome 3 (TPDS3). Also called: Melanoma, cutaneous malignant, susceptibility to, 10; Glioma susceptibility 9; LONG TELOMERE SYNDROME, POT1-RELATED; POT1 Tumor Predisposition. Identifiers: Orphanet 618, MedGen C4014476, MONDO:0014368, OMIM 615848.
Pulmonary fibrosis and/or bone marrow failure syndrome, telomere-related, 8 (PFBMFT8). Identifiers: MedGen C5830496, MONDO:0957263, OMIM 620367.
Cerebroretinal microangiopathy with calcifications and cysts 3 (CRMCC3). Identifiers: MedGen C5830497, MONDO:0957264, OMIM 620368.
POT1-related disorder. Also called: POT1-related condition.
Hereditary cancer-predisposing syndrome. Also called: Neoplastic Syndromes, Hereditary; Hereditary Cancer Syndrome; Tumor predisposition; Hereditary neoplastic syndrome. Identifiers: Orphanet 140162, MedGen C0027672, MeSH D009386, MONDO:0015356.

Allele frequency attached by ClinVar (database versions not stated): gnomAD exomes 0.00025 and 0.00003; 1000 Genomes Project 30x 0.00047; 1000 Genomes Project 0.00060; ExAC 0.00004; gnomAD 0.00011 and 0.00003; TOPMed 0.00001.
gnomAD v4.1: 363 of 1,606,158 alleles (0.023%); highest among the groups gnomAD compares: East Asian, 0.81%; 5 homozygotes.

Submissions (7):

PreventionGenetics, part of Exact Sciences
Classification: Uncertain significance for POT1-related condition. Last evaluated: 2026-05-04. Review status: criteria provided, single submitter. Criteria: ACMG Guidelines, 2015. Collection method: clinical testing. Allele origin: germline.
Comment: The POT1 c.977T>C variant is predicted to result in the amino acid substitution p.Val326Ala. This variant was reported in an individual with myeloid/lymphoid neoplasm (Lim et al. 2022. PubMed ID: 34193977). This variant is reported in 0.040% of alleles in individuals of East Asian descent in gnomAD. This variant has conflicting interpretations in ClinVar ranging from uncertain to likely benign (Variation ID: 475115). At this time, the clinical significance of this variant is uncertain due to the absence of conclusive functional and genetic evidence.

Labcorp Genetics (formerly Invitae), Labcorp
Classification: Uncertain significance for Tumor predisposition syndrome 3. Last evaluated: 2025-02-02. Review status: criteria provided, single submitter. Criteria: Invitae Variant Classification Sherloc (09022015). Collection method: clinical testing. Allele origin: germline.
Comment: This sequence change replaces valine, which is neutral and non-polar, with alanine, which is neutral and non-polar, at codon 326 of the POT1 protein (p.Val326Ala). This variant is present in population databases (rs75932146, gnomAD 0.04%). This missense change has been observed in individual(s) with clinical features of POT1-related conditions (PMID: 34193977). ClinVar contains an entry for this variant (Variation ID: 475115). Invitae Evidence Modeling of protein sequence and biophysical properties (such as structural, functional, and spatial information, amino acid conservation, physicochemical variation, residue mobility, and thermodynamic stability) indicates that this missense variant is not expected to disrupt POT1 protein function with a negative predictive value of 80%. RNA analysis performed to evaluate the impact of this missense change on mRNA splicing indicates it does not significantly alter splicing (internal data). In summary, the available evidence is currently insufficient to determine the role of this variant in disease. Therefore, it has been classified as a Variant of Uncertain Significance.

Quest Diagnostics Nichols Institute San Juan Capistrano
Classification: Uncertain significance. Last evaluated: 2024-10-25. Review status: criteria provided, single submitter. Criteria: Quest Diagnostics criteria. Collection method: clinical testing. Allele origin: unknown.
Comment: The POT1 c.977T>C (p.Val326Ala) variant has been reported in the published literature in an individual affected with hematologic malignancies (PMID: 34193977 (2021)). The frequency of this variant in the general population, 0.0004 (8/19938 chromosomes in East Asian subpopulation (Genome Aggregation Database)), is higher than would generally be expected for pathogenic variants in this gene. Analysis of this variant using bioinformatics tools for the prediction of the effect of amino acid changes on protein structure and function yielded predictions that this variant is benign. Based on the available information, we are unable to determine the clinical significance of this variant.

Fulgent Genetics
Classification: Uncertain significance for Tumor predisposition syndrome 3; Pulmonary fibrosis and/or bone marrow failure syndrome, telomere-related, 8; Cerebroretinal microangiopathy with calcifications and cysts 3. Last evaluated: 2024-04-29. Review status: criteria provided, single submitter. Criteria: ACMG Guidelines, 2015. Collection method: clinical testing. Allele origin: germline.

GeneDx
Classification: Uncertain significance. Last evaluated: 2023-07-24. Review status: criteria provided, single submitter. Criteria: GeneDx Variant Classification Process June 2021. Collection method: clinical testing. Allele origin: germline. Affected: yes.
Comment: In silico analysis supports that this missense variant does not alter protein structure/function; This variant is associated with the following publications: (PMID: 32514122, 34193977)

Ambry Genetics
Classification: Likely benign for Hereditary cancer-predisposing syndrome. Last evaluated: 2023-01-27. Review status: criteria provided, single submitter. Criteria: Ambry Variant Classification Scheme 2023. Collection method: clinical testing. Allele origin: germline.

Genetic Services Laboratory, University of Chicago
Classification: Uncertain significance. Last evaluated: 2021-10-12. Review status: criteria provided, single submitter. Criteria: ACMG Guidelines, 2015. Collection method: clinical testing. Allele origin: germline. Affected: no.
Comment: DNA sequence analysis of the POT1 gene demonstrated a sequence change, c.977T>C, in exon 12 that results in an amino acid change, p.Val326Ala. This sequence change has been described in the gnomAD database with a frequency of 0.04% in the East Asian subpopulation (dbSNP rs75932146). The p.Val326Ala change affects a poorly conserved amino acid residue located in a domain of the POT1 protein that is not known to be functional. The p.Val326Ala substitution appears to be benign using several in-silico pathogenicity prediction tools (SIFT, PolyPhen2, Align GVGD, REVEL). This sequence change does not appear to have been previously described in individuals with POT1-related disorders. Due to insufficient evidences and the lack of functional studies, the clinical significance of the p.Val326Ala change remains unknown at this time.

Literature cited by the submitters: PubMed 34193977 (cited by Labcorp Genetics (formerly Invitae), Labcorp and Quest Diagnostics Nichols Institute San Juan Capistrano).